The following is an entry in ClinVar:

ClinVar aggregate classification (germline): Uncertain significance. Review status: criteria provided, multiple submitters, no conflicts (2 of 4 stars). 2 submissions from 2 submitters: Uncertain significance (2). Last evaluated 2023-09-24.

Conditions:
LAMA2-related muscular dystrophy (LAMA2-RD). Also called: Laminin alpha 2-related dystrophy. Identifiers: MedGen C5679788, MONDO:0100228.

Submissions (2):

Revvity Omics, Revvity
Classification: Uncertain significance. Last evaluated: 2023-09-24. Review status: criteria provided, single submitter. Criteria: ACMG Guidelines, 2015. Collection method: clinical testing. Allele origin: germline.

Labcorp Genetics (formerly Invitae), Labcorp
Classification: Uncertain significance for LAMA2-related muscular dystrophy. Last evaluated: 2022-02-01. Review status: criteria provided, single submitter. Criteria: Invitae Variant Classification Sherloc (09022015). Collection method: clinical testing. Allele origin: germline.
Comment: This sequence change replaces proline, which is neutral and non-polar, with serine, which is neutral and polar, at codon 3063 of the LAMA2 protein (p.Pro3063Ser). This variant is not present in population databases (gnomAD no frequency). This variant has not been reported in the literature in individuals affected with LAMA2-related conditions. Advanced modeling of protein sequence and biophysical properties (such as structural, functional, and spatial information, amino acid conservation, physicochemical variation, residue mobility, and thermodynamic stability) performed at Invitae indicates that this missense variant is not expected to disrupt LAMA2 protein function. In summary, the available evidence is currently insufficient to determine the role of this variant in disease. Therefore, it has been classified as a Variant of Uncertain Significance.

NM_000426.4(LAMA2):c.9187C>T (p.Pro3063Ser)

Gene: LAMA2 (laminin subunit alpha 2; plus strand). Cytogenetic location: 6q22.33.
Variant type: single nucleotide variant.
Coding change: c.9187C>T on transcript NM_000426.4 (MANE Select); coding-DNA position 9187, C replaced by T.
Protein change: p.Pro3063Ser; replaces proline 3063 with serine.
Molecular consequence: missense variant.
Genome position (GRCh38, 1-based): chr6:129,514,571, C>T. VCF-style: chr6-129514571-C-T. GRCh37 (hg19) VCF-style: chr6-129835716-C-T.
Other names: c.9175C>T, p.Pro3059Ser (NM_001079823.2); short protein forms P3059S, P3063S.
Identifiers: ClinVar variation 2091549 (VCV002091549.2), dbSNP rs2533600013, ClinGen allele CA365637116.